The following is an entry in ClinVar:

NM_000179.3(MSH6):c.218A>C (p.Asn73Thr)

Gene: MSH6 (mutS homolog 6; plus strand). Cytogenetic location: 2p16.3.
Variant type: single nucleotide variant.
Coding change: c.218A>C on transcript NM_000179.3 (MANE Select); coding-DNA position 218, A replaced by C.
Protein change: p.Asn73Thr; replaces asparagine 73 with threonine.
Molecular consequence: missense variant. On other transcripts: 5 prime UTR variant (1).
Genome position (GRCh38, 1-based): chr2:47,783,451, A>C. VCF-style: chr2-47783451-A-C. GRCh37 (hg19) VCF-style: chr2-48010590-A-C.
Other names: c.218A>C, p.Asn73Thr (NM_001281492.2, NM_001406795.1, NM_001406796.1 and 9 more transcripts); c.-519A>C (NM_001281493.2, NM_001406811.1); c.-111A>C (NM_001406799.1); c.163A>C, p.Thr55Pro (NM_001406804.1); c.-711A>C (NM_001406807.1); c.-366A>C (NM_001406812.1); c.-777A>C (NM_001406814.1); c.-322A>C (NM_001406816.1); short protein forms T55P, N73T.
Identifiers: ClinVar variation 1787387 (VCV001787387.6), dbSNP rs2103942896, ClinGen allele CA346735077.

ClinVar aggregate classification (germline): Uncertain significance. Review status: criteria provided, multiple submitters, no conflicts (2 of 4 stars). 3 submissions from 3 submitters: Uncertain significance (3). Last evaluated 2025-03-04.

Conditions:
Hereditary cancer-predisposing syndrome. Also called: Neoplastic Syndromes, Hereditary; Tumor predisposition; Hereditary Cancer Syndrome; Hereditary neoplastic syndrome. Identifiers: Orphanet 140162, MedGen C0027672, MeSH D009386, MONDO:0015356.
Lynch syndrome. Identifiers: Orphanet 144, MedGen C4552100, MONDO:0005835. Disease mechanism: loss of function.

Submissions (3):

Center for Genomic Medicine, Rigshospitalet, Copenhagen University Hospital
Classification: Uncertain significance. Last evaluated: 2025-03-04. Review status: criteria provided, single submitter. Criteria: ACMG Guidelines, 2015. Collection method: clinical testing. Allele origin: germline.

All of Us Research Program, National Institutes of Health
Classification: Uncertain significance for Lynch syndrome. Last evaluated: 2024-05-14. Review status: criteria provided, single submitter. Criteria: ACMG Guidelines, 2015. Collection method: clinical testing. Allele origin: germline. Inheritance: Autosomal dominant inheritance. Observed: 4 variant alleles, 4 heterozygotes.
Comment: This missense variant replaces asparagine with threonine at codon 73 of the MSH6 protein. Computational prediction suggests that this variant may not impact protein structure and function (internally defined REVEL score threshold <= 0.5, PMID: 27666373). To our knowledge, functional studies have not been reported for this variant. This variant has not been reported in individuals affected with MSH6-related disorders in the literature. This variant has not been identified in the general population by the Genome Aggregation Database (gnomAD). The available evidence is insufficient to determine the role of this variant in disease conclusively. Therefore, this variant is classified as a Variant of Uncertain Significance.

This study involves interpretation of variants in research participants for the purpose of population health screening. Participant phenotype was not available at the time of variant classification. Additional details can be found in publication PMID: 35346344, PMCID: PMC8962531

Ambry Genetics
Classification: Uncertain significance for Hereditary cancer-predisposing syndrome. Last evaluated: 2024-01-31. Review status: criteria provided, single submitter. Criteria: Ambry Variant Classification Scheme 2023. Collection method: clinical testing. Allele origin: germline.
Comment: The p.N73T variant (also known as c.218A>C), located in coding exon 1 of the MSH6 gene, results from an A to C substitution at nucleotide position 218. The asparagine at codon 73 is replaced by threonine, an amino acid with similar properties. This amino acid position is conserved. In addition, this alteration is predicted to be tolerated by in silico analysis. Since supporting evidence is limited at this time, the clinical significance of this alteration remains unclear.